The following is an entry in ClinVar:

NM_153240.5(NPHP3):c.1861G>A (p.Val621Ile)

Genes: NPHP3 (nephrocystin 3; minus strand), NPHP3-ACAD11 (NPHP3-ACAD11 readthrough (NMD candidate); minus strand). Cytogenetic location: 3q22.1.
Variant type: single nucleotide variant.
Coding change: c.1861G>A on transcript NM_153240.5 (MANE Select); coding-DNA position 1861, G replaced by A.
Protein change: p.Val621Ile; replaces valine 621 with isoleucine.
Molecular consequence: missense variant. On other transcripts: non-coding transcript variant (1).
Genome position (GRCh38, 1-based): chr3:132,699,944, C>T on the plus strand (G>A on the coding strand, the complement: NPHP3 is on the minus strand). VCF-style: chr3-132699944-C-T. GRCh37 (hg19) VCF-style: chr3-132418788-C-T.
Other names: c.1861G>A (NM_153240.4); short protein forms V621I.
Identifiers: ClinVar variation 2039095 (VCV002039095.2), dbSNP rs144880248, ClinGen allele CA2622189.

ClinVar aggregate classification (germline): Uncertain significance. Review status: criteria provided, multiple submitters, no conflicts (2 of 4 stars). 2 submissions from 2 submitters: Uncertain significance (2). Last evaluated 2024-10-17.

Conditions:
Nephronophthisis. Also called: Juvenile Nephronophthisis. Identifiers: Orphanet 655, MedGen C0687120, MONDO:0019005, HP:0000090.
NPHP3-related disorder. Also called: NPHP3-related condition; NPHP3-related disorders. Identifiers: MedGen CN379163.

Allele frequency attached by ClinVar (database versions not stated): ExAC 0.00001; gnomAD exomes 0.00001; TOPMed 0.00001; gnomAD 0.00003; ESP Exome Variant Server 0.00008.
gnomAD v4.1: 19 of 1,613,924 alleles (0.0012%); highest among the groups gnomAD compares: East Asian, 0.0022%; no homozygotes.

Submissions (2):

PreventionGenetics, part of Exact Sciences
Classification: Uncertain significance for NPHP3-related condition. Last evaluated: 2024-10-17. Review status: criteria provided, single submitter. Criteria: ACMG Guidelines, 2015. Collection method: clinical testing. Allele origin: germline.
Comment: The NPHP3 c.1861G>A variant is predicted to result in the amino acid substitution p.Val621Ile. To our knowledge, this variant has not been reported in the literature. This variant is reported in 0.0015% of alleles in individuals of European (Non-Finnish) descent in gnomAD. At this time, the clinical significance of this variant is uncertain due to the absence of conclusive functional and genetic evidence.

Labcorp Genetics (formerly Invitae), Labcorp
Classification: Uncertain significance for Nephronophthisis. Last evaluated: 2022-05-31. Review status: criteria provided, single submitter. Criteria: Invitae Variant Classification Sherloc (09022015). Collection method: clinical testing. Allele origin: germline.
Comment: This sequence change replaces valine, which is neutral and non-polar, with isoleucine, which is neutral and non-polar, at codon 621 of the NPHP3 protein (p.Val621Ile). This variant is present in population databases (rs144880248, gnomAD 0.002%). This variant has not been reported in the literature in individuals affected with NPHP3-related conditions. Algorithms developed to predict the effect of missense changes on protein structure and function output the following: SIFT: "Tolerated"; PolyPhen-2: "Benign"; Align-GVGD: "Class C0". The isoleucine amino acid residue is found in multiple mammalian species, which suggests that this missense change does not adversely affect protein function. In summary, the available evidence is currently insufficient to determine the role of this variant in disease. Therefore, it has been classified as a Variant of Uncertain Significance.